The following is an entry in ClinVar:

ClinVar aggregate classification (germline): Likely pathogenic. Review status: criteria provided, multiple submitters, no conflicts (2 of 4 stars). 2 submissions from 2 submitters: Likely pathogenic (2). Last evaluated 2023-12-26.

Conditions:
Pyknodysostosis. Also called: Pycnodysostosis. Identifiers: Orphanet 763, MedGen C0238402, MONDO:0009940, OMIM 265800.

Allele frequency attached by ClinVar (database versions not stated): gnomAD exomes below 0.00001; TOPMed below 0.00001.
gnomAD v4.1: 2 of 1,614,042 alleles (0.00012%); highest among the groups gnomAD compares: Non-Finnish European, 0.00017%; no homozygotes.

Submissions (2):

Baylor Genetics
Classification: Likely pathogenic for Pyknodysostosis. Last evaluated: 2023-12-26. Review status: criteria provided, single submitter. Criteria: ACMG Guidelines, 2015. Collection method: clinical testing. Allele origin: unknown.

Myriad Genetics, Inc.
Classification: Likely pathogenic for Pyknodysostosis. Last evaluated: 2022-04-04. Review status: criteria provided, single submitter. Criteria: Myriad Women's Health Autosomal Recessive and X-Linked Classification Criteria (2021). Collection method: clinical testing. Allele origin: unknown.
Comment: NM_000396.3(CTSK):c.397C>T(Q133*) is expected to be pathogenic in the context of pycnodysostosis. This variant is predicted to lead to an abnormal or absent protein product due to the creation of a premature termination codon in CTSK, a gene where loss-of-function variants are known to be pathogenic. Please note: this variant was assessed in the context of healthy population screening.

NM_000396.4(CTSK):c.397C>T (p.Gln133Ter)

Gene: CTSK (cathepsin K; minus strand). Cytogenetic location: 1q21.3.
Variant type: single nucleotide variant.
Coding change: c.397C>T on transcript NM_000396.4 (MANE Select); coding-DNA position 397, C replaced by T.
Protein change: p.Gln133Ter; replaces glutamine 133 with a stop codon.
Molecular consequence: nonsense.
Genome position (GRCh38, 1-based): chr1:150,805,863, G>A on the plus strand (C>T on the coding strand, the complement: CTSK is on the minus strand). VCF-style: chr1-150805863-G-A. GRCh37 (hg19) VCF-style: chr1-150778339-G-A.
Other names: short protein forms Q133*.
Identifiers: ClinVar variation 1726673 (VCV001726673.3), dbSNP rs1654079662, ClinGen allele CA342336826.